The following is an entry in ClinVar:

NM_004370.6(COL12A1):c.1892-6_1892-5insG

Gene: COL12A1 (collagen type XII alpha 1 chain; minus strand). Cytogenetic location: 6q13.
Variant type: Insertion.
Coding change: c.1892-6_1892-5insG on transcript NM_004370.6 (MANE Select); 6 bases into the intron before coding-DNA position 1892 through 5 bases into the intron before coding-DNA position 1892, G inserted.
Molecular consequence: intron variant.
Genome position: GRCh38 VCF-style: chr6-75181216-T-TC. GRCh37 (hg19) VCF-style: chr6-75890932-T-TC.
Other names: c.73+21503_73+21504insG (NM_080645.3).
Identifiers: ClinVar variation 578704 (VCV000578704.9), dbSNP rs752652515, ClinGen allele CA3894102.
Genomic context (GRCh38, chr6:75,181,216, plus strand): 5'-TTTGAAACCATAAGAAGTCACTTCTGAAAAACTAAGATCCTTTGGAGGGACGTAAGCTAT[T>TC]TAAAAAAAAAAAAAGACAGTTAAAAATGCTTGAATCTATAAAACAAAACAGTAACCAATA-3'

ClinVar aggregate classification (germline): Uncertain significance (1 of 4 stars; one submission).

Conditions:
Ullrich congenital muscular dystrophy 2 (UCMD2). Identifiers: Orphanet 75840, MedGen C4225314, MONDO:0014654, OMIM 616470.
Bethlem myopathy 2 (BTHLM2). Identifiers: Orphanet 536516, Orphanet 610, MedGen C4225313, MONDO:0034022, OMIM 616471.

Submission:

Labcorp Genetics (formerly Invitae), Labcorp
Classification: Uncertain significance for Bethlem myopathy 2; Ullrich congenital muscular dystrophy 2. Last evaluated: 2023-12-25. Review status: criteria provided, single submitter. Criteria: Invitae Variant Classification Sherloc (09022015). Collection method: clinical testing. Allele origin: germline.
Comment: This sequence change falls in intron 10 of the COL12A1 gene. It does not directly change the encoded amino acid sequence of the COL12A1 protein. The frequency data for this variant in the population databases is considered unreliable, as metrics indicate poor data quality at this position in the gnomAD database. This variant has not been reported in the literature in individuals affected with COL12A1-related conditions. ClinVar contains an entry for this variant (Variation ID: 578704). Algorithms developed to predict the effect of sequence changes on RNA splicing suggest that this variant may disrupt the consensus splice site. In summary, the available evidence is currently insufficient to determine the role of this variant in disease. Therefore, it has been classified as a Variant of Uncertain Significance.